The following is an entry in ClinVar:

NM_004618.5(TOP3A):c.2T>G (p.Met1Arg)

Genes: TOP3A (DNA topoisomerase III alpha; minus strand), LOC130060427 (ATAC-STARR-seq lymphoblastoid active region 11836; plus strand). Cytogenetic location: 17p11.2.
Variant type: single nucleotide variant.
Coding change: c.2T>G on transcript NM_004618.5 (MANE Select); coding-DNA position 2, T replaced by G.
Protein change: p.Met1Arg; changes the start codon (methionine 1).
Molecular consequence: missense variant, initiator codon variant. On other transcripts: 5 prime UTR variant (1).
Genome position (GRCh38, 1-based): chr17:18,314,777, A>C on the plus strand (T>G on the coding strand, the complement: TOP3A is on the minus strand). VCF-style: chr17-18314777-A-C. GRCh37 (hg19) VCF-style: chr17-18218091-A-C.
Other names: c.-210T>G (NM_001320759.2); short protein forms M1R.
Identifiers: ClinVar variation 1966858 (VCV001966858.6), dbSNP rs761911008, ClinGen allele CA8430376.
Genomic context (GRCh38, chr17:18,314,777, plus strand): 5'-AAGGCACGGTCTTCGGGCCGTCGCAGCCACCGGAGCGCGTAGCGGGCGACAGGAAAGATC[A>C]TCCTCAGACCTCGCGCCCGGAGCCGCTCCCCGGCTGCCGGCGCATCCTGGGGAAGCCAGA-3'
Protein context (NP_004609.1, residues 1-11): [Met1Arg]IFPVARYALR

ClinVar aggregate classification (germline): Uncertain significance (1 of 4 stars; one submission).

Allele frequency attached by ClinVar (database versions not stated): gnomAD exomes 0.00001; TOPMed 0.00002; gnomAD 0.00003.

Submission:

Labcorp Genetics (formerly Invitae), Labcorp
Classification: Uncertain significance. Last evaluated: 2023-11-27. Review status: criteria provided, single submitter. Criteria: Invitae Variant Classification Sherloc (09022015). Collection method: clinical testing. Allele origin: germline.
Comment: This sequence change affects the initiator methionine of the TOP3A mRNA. The next in-frame methionine is located at codon 26. This variant is present in population databases (rs761911008, gnomAD 0.01%). This variant has not been reported in the literature in individuals affected with TOP3A-related conditions. ClinVar contains an entry for this variant (Variation ID: 1966858). In summary, the available evidence is currently insufficient to determine the role of this variant in disease. Therefore, it has been classified as a Variant of Uncertain Significance.